The following is an entry in ClinVar:

NM_000388.4(CASR):c.3082C>T (p.Gln1028Ter)

Gene: CASR (calcium sensing receptor; plus strand). Cytogenetic location: 3q21.1.
Variant type: single nucleotide variant.
Coding change: c.3082C>T on transcript NM_000388.4 (MANE Select); coding-DNA position 3082, C replaced by T.
Protein change: p.Gln1028Ter; replaces glutamine 1028 with a stop codon.
Molecular consequence: nonsense.
Genome position (GRCh38, 1-based): chr3:122,285,036, C>T. VCF-style: chr3-122285036-C-T. GRCh37 (hg19) VCF-style: chr3-122003883-C-T.
Other names: c.3112C>T, p.Gln1038Ter (NM_001178065.2); short protein forms Q1038*, Q1028*.
Identifiers: ClinVar variation 1400471 (VCV001400471.6), dbSNP rs1290267062, ClinGen allele CA354161398.

ClinVar aggregate classification (germline): Uncertain significance (1 of 4 stars; one submission).

Conditions:
Familial hypocalciuric hypercalcemia (FHH). Also called: Familial benign hypercalcemia. Identifiers: Orphanet 405, MedGen C1809471, MONDO:0018458.
Autosomal dominant hypocalcemia 1 (HYPOC1). Also called: HYPOCALCEMIA, FAMILIAL. Identifiers: MedGen C3715128, MONDO:0011013, OMIM 601198.

Allele frequency attached by ClinVar (database versions not stated): gnomAD exomes below 0.00001.
gnomAD v4.1: 2 of 1,614,200 alleles (0.00012%); highest among the groups gnomAD compares: East Asian, 0.0045%; no homozygotes.

Submission:

Labcorp Genetics (formerly Invitae), Labcorp
Classification: Uncertain significance for Familial hypocalciuric hypercalcemia; Autosomal dominant hypocalcemia 1. Last evaluated: 2024-10-24. Review status: criteria provided, single submitter. Criteria: Invitae Variant Classification Sherloc (09022015). Collection method: clinical testing. Allele origin: germline.
Comment: This sequence change creates a premature translational stop signal (p.Gln1028*) in the CASR gene. While this is not anticipated to result in nonsense mediated decay, it is expected to disrupt the last 51 amino acid(s) of the CASR protein. This variant is present in population databases (no rsID available, gnomAD 0.006%). This variant has not been reported in the literature in individuals affected with CASR-related conditions. ClinVar contains an entry for this variant (Variation ID: 1400471). Experimental studies and prediction algorithms are not available or were not evaluated, and the functional significance of this variant is currently unknown. In summary, the available evidence is currently insufficient to determine the role of this variant in disease. Therefore, it has been classified as a Variant of Uncertain Significance.